The following is an entry in ClinVar:

ClinVar aggregate classification (germline): Uncertain significance (1 of 4 stars; one submission).

Submission:

Clinical Genomics Laboratory, Washington University in St. Louis
Classification: Uncertain significance. Last evaluated: 2025-12-26. Review status: criteria provided, single submitter. Criteria: ACMG Guidelines, 2015. Collection method: clinical testing. Allele origin: germline.
Comment: The MBP c.85_88del (p.Lys29Glufs*35) variant, to our knowledge, has not been reported in the medical literature. This variant is absent from the general population (gnomAD v.4.1.0), indicating it is not a common variant. This variant causes a frameshift by deleting four nucleotides, leading to a premature termination codon, which is predicted to lead to nonsense mediated decay. Due to limited information, the clinical significance of this variant is uncertain.

NM_001025101.2(MBP):c.85_88del (p.Lys29fs)

Gene: MBP (myelin basic protein; minus strand). Cytogenetic location: 18q23.
Variant type: Deletion.
Coding change: c.85_88del on transcript NM_001025101.2 (MANE Select); coding-DNA positions 85 to 88, 4 bases deleted (AAGA; older notation c.85_88delAAGA).
Protein change: p.Lys29fs; shifts the reading frame from lysine 29.
Molecular consequence: frameshift variant.
Genome position (GRCh38, 1-based): chr18:77,066,349-77,066,352, TCTT deleted on the plus strand (AAGA on the coding strand, the reverse complement: MBP is on the minus strand); deleting any 4 consecutive bases within chr18:77,066,349-77,066,353 gives the same sequence; the c. name uses the placement nearest the transcript's 3' end. VCF-style (leftmost placement, unchanged base first): chr18-77066348-CTCTT-C. GRCh37 (hg19) VCF-style: chr18-74778304-CTCTT-C.
Other names: c.85_88del, p.Lys29fs (NM_001025100.2); short protein forms K29fs.
Identifiers: ClinVar variation 4879564 (VCV004879564.1).
Genomic context (GRCh38, chr18:77,066,348, plus strand): 5'-CGTCACCTACCGAACACTTCGTTGTCCTCTGAGGTTGTCCGTGAAAGTTCACCCAGGTTT[CTCTT>C]TTTTTCAGATTCTCCTCTGTTAGTTTCACTATTCTGGAAAAAGAAAACACAACAAACCCT-3'